The following is an entry in ClinVar:

NM_001371279.1(REEP1):c.230T>C (p.Leu77Pro)

Gene: REEP1 (receptor accessory protein 1; minus strand). Cytogenetic location: 2p11.2.
Variant type: single nucleotide variant.
Coding change: c.230T>C on transcript NM_001371279.1 (MANE Select); coding-DNA position 230, T replaced by C.
Protein change: p.Leu77Pro; replaces leucine 77 with proline.
Molecular consequence: missense variant. On other transcripts: intron variant (1).
Genome position (GRCh38, 1-based): chr2:86,254,767, A>G on the plus strand (T>C on the coding strand, the complement: REEP1 is on the minus strand). VCF-style: chr2-86254767-A-G. GRCh37 (hg19) VCF-style: chr2-86481890-A-G.
Other names: c.251T>C, p.Leu84Pro (NM_001164730.2); c.149T>C, p.Leu50Pro (NM_001164731.2); c.230T>C, p.Leu77Pro (NM_001371280.1, NM_001410855.1, NM_001410856.1 and 1 more transcripts); c.182+9198T>C (NM_001164732.2); short protein forms L84P, L77P, L50P.
Identifiers: ClinVar variation 2169500 (VCV002169500.4), dbSNP rs2468842275, ClinGen allele CA347717409.

ClinVar aggregate classification (germline): Uncertain significance (1 of 4 stars; one submission).

Conditions:
Hereditary spastic paraplegia 31. Also called: SPASTIC PARAPLEGIA 31, AUTOSOMAL DOMINANT. Identifiers: Orphanet 101011, MedGen C1853247, MONDO:0012453, OMIM 610250.

Submission:

Labcorp Genetics (formerly Invitae), Labcorp
Classification: Uncertain significance for Hereditary spastic paraplegia 31. Last evaluated: 2022-03-25. Review status: criteria provided, single submitter. Criteria: Invitae Variant Classification Sherloc (09022015). Collection method: clinical testing. Allele origin: germline.
Comment: This missense change has been observed in individual(s) with hereditary spastic paraplegia (PMID: 30637453). It has also been observed to segregate with disease in related individuals. This variant is not present in population databases (gnomAD no frequency). This sequence change replaces leucine, which is neutral and non-polar, with proline, which is neutral and non-polar, at codon 77 of the REEP1 protein (p.Leu77Pro). Algorithms developed to predict the effect of missense changes on protein structure and function are either unavailable or do not agree on the potential impact of this missense change (SIFT: "Deleterious"; PolyPhen-2: "Probably Damaging"; Align-GVGD: "Class C0"). In summary, the available evidence is currently insufficient to determine the role of this variant in disease. Therefore, it has been classified as a Variant of Uncertain Significance.

Literature cited by the submitters: PubMed 30637453.